The following is an entry in ClinVar:

NM_000135.4(FANCA):c.*385C>G

Genes: FANCA (FA complementation group A; minus strand), ZNF276 (zinc finger protein 276; plus strand). Cytogenetic location: 16q24.3.
Variant type: single nucleotide variant.
Coding change: c.*385C>G on transcript NM_000135.4 (MANE Select); 385 bases downstream of the stop codon, C replaced by G.
Molecular consequence: 3 prime UTR variant. On other transcripts: missense variant (2), non-coding transcript variant (4).
Genome position (GRCh38, 1-based): chr16:89,738,216, G>C on the plus strand (C>G on the coding strand, the complement: FANCA is on the minus strand). VCF-style: chr16-89738216-G-C. GRCh37 (hg19) VCF-style: chr16-89804624-G-C.
Other names: c.*482C>G (NM_001286167.3); c.1815G>C, p.Glu605Asp (NM_001113525.2); c.1590G>C, p.Glu530Asp (NM_152287.4); short protein forms E530D, E605D.
Identifiers: ClinVar variation 321317 (VCV000321317.7), dbSNP rs17227424, ClinGen allele CA8250520.

ClinVar aggregate classification (germline): Benign. Review status: criteria provided, multiple submitters, no conflicts (2 of 4 stars). 3 submissions from 3 submitters: Benign (3). Last evaluated 2024-11-27.

Conditions:
Fanconi anemia complementation group A (FANCA). Also called: Fanconi anemia, group A; FANCA-Related Fanconi Anemia. Identifiers: Orphanet 84, MedGen C3469521, MONDO:0009215, OMIM 227650.

Allele frequency attached by ClinVar (database versions not stated): TOPMed 0.02525; gnomAD 0.02929 and 0.03063; ESP Exome Variant Server 0.02951; 1000 Genomes Project 30x 0.03888; 1000 Genomes Project 0.04093.
gnomAD v4.1: 63,544 of 1,609,330 alleles (3.9%); highest among the groups gnomAD compares: East Asian, 11%; 1,627 homozygotes.

Submissions (3):

Blueprint Genetics
Classification: Benign. Last evaluated: 2024-11-27. Review status: criteria provided, single submitter. Criteria: ACMG Guidelines, 2015. Collection method: clinical testing. Allele origin: germline.

Illumina Laboratory Services, Illumina
Classification: Benign for Fanconi anemia complementation group A. Last evaluated: 2018-01-13. Review status: criteria provided, single submitter. Criteria: ICSL Variant Classification Criteria 13 December 2019. Collection method: clinical testing. Allele origin: germline.
Comment: This variant was observed in the ICSL laboratory as part of a predisposition screen in an ostensibly healthy population. It had not been previously curated by ICSL or reported in the Human Gene Mutation Database (HGMD: prior to June 1st, 2018), and was therefore a candidate for classification through an automated scoring system. Utilizing variant allele frequency, disease prevalence and penetrance estimates, and inheritance mode, an automated score was calculated to assess if this variant is too frequent to cause the disease. Based on the score and internal cut-off values, a variant classified as benign is not then subjected to further curation. The score for this variant resulted in a classification of benign for this disease.

Breakthrough Genomics
Classification: Benign. Review status: criteria provided, single submitter. Criteria: ACMG Guidelines, 2015. Collection method: not provided. Allele origin: germline. Inheritance: Autosomal recessive inheritance. Affected: yes.